The following is an entry in ClinVar:

ClinVar aggregate classification (germline): Uncertain significance (1 of 4 stars; one submission).

Conditions:
Hypertrophic cardiomyopathy. Also called: HYPERTROPHIC MYOCARDIOPATHY. Identifiers: Orphanet 217569, MedGen C0007194, MeSH D002312, MONDO:0005045, HP:0001639.

gnomAD v4.1: 3 of 1,613,786 alleles (0.00019%); highest among the groups gnomAD compares: South Asian, 0.0011%; no homozygotes.

Submission:

Labcorp Genetics (formerly Invitae), Labcorp
Classification: Uncertain significance for Hypertrophic cardiomyopathy. Last evaluated: 2022-04-30. Review status: criteria provided, single submitter. Criteria: Invitae Variant Classification Sherloc (09022015). Collection method: clinical testing. Allele origin: germline.
Comment: In summary, the available evidence is currently insufficient to determine the role of this variant in disease. Therefore, it has been classified as a Variant of Uncertain Significance. Algorithms developed to predict the effect of missense changes on protein structure and function (SIFT, PolyPhen-2, Align-GVGD) all suggest that this variant is likely to be tolerated. This variant has not been reported in the literature in individuals affected with MYOM1-related conditions. This variant is present in population databases (no rsID available, gnomAD 0.003%). This sequence change replaces aspartic acid, which is acidic and polar, with asparagine, which is neutral and polar, at codon 1617 of the MYOM1 protein (p.Asp1617Asn).

NM_003803.4(MYOM1):c.4849G>A (p.Asp1617Asn)

Gene: MYOM1 (myomesin 1; minus strand). Cytogenetic location: 18p11.31.
Variant type: single nucleotide variant.
Coding change: c.4849G>A on transcript NM_003803.4 (MANE Select); coding-DNA position 4849, G replaced by A.
Protein change: p.Asp1617Asn; replaces aspartic acid 1617 with asparagine.
Molecular consequence: missense variant.
Genome position (GRCh38, 1-based): chr18:3,067,471, C>T on the plus strand (G>A on the coding strand, the complement: MYOM1 is on the minus strand). VCF-style: chr18-3067471-C-T. GRCh37 (hg19) VCF-style: chr18-3067469-C-T.
Other names: c.4561G>A, p.Asp1521Asn (NM_019856.2); short protein forms D1521N, D1617N.
Identifiers: ClinVar variation 1905385 (VCV001905385.5), dbSNP rs1321034428, ClinGen allele CA401705319.